The following is an entry in ClinVar:

NM_001031689.3(PLAA):c.468G>A (p.Ala156=)

Gene: PLAA (phospholipase A2 activating protein; minus strand). Cytogenetic location: 9p21.2.
Variant type: single nucleotide variant.
Coding change: c.468G>A on transcript NM_001031689.3 (MANE Select); coding-DNA position 468, G replaced by A.
Protein change: p.Ala156=; no amino-acid change (alanine 156 retained).
Molecular consequence: synonymous variant.
Genome position (GRCh38, 1-based): chr9:26,928,197, C>T on the plus strand (G>A on the coding strand, the complement: PLAA is on the minus strand). VCF-style: chr9-26928197-C-T. GRCh37 (hg19) VCF-style: chr9-26928195-C-T.
Other names: c.468G>A, p.Ala156= (NM_001321546.2); c.468G>A (NM_001031689.2).
Identifiers: ClinVar variation 1547934 (VCV001547934.10), dbSNP rs771441156, ClinGen allele CA5014618.
Genomic context (GRCh38, chr9:26,928,197, plus strand): 5'-TTTAACAGTCTTGTCTGCTGATCCAGTCAACATTAAGCCCTGTTCAGGTAAGATCTTTAC[C>T]GCCCACACTGCAGCTGTATGACCCTGTGAGTAAAATGAGTATCAATTTAAGTTGCCACAG-3'
Protein context (NP_001026859.1, residues 146-166): TLQGHTAAVW[Ala156=]VKILPEQGLM

ClinVar aggregate classification (germline): Likely benign. Review status: criteria provided, single submitter (1 of 4 stars). 2 submissions from 2 submitters: Likely benign (1). 1 of the submissions does not count toward it. Last evaluated 2025-09-24.

Conditions:
PLAA-related disorder. Also called: PLAA-related condition.

Allele frequency attached by ClinVar (database versions not stated): gnomAD exomes 0.00001 and 0.00002; ExAC 0.00002; gnomAD 0.00005; TOPMed 0.00008.
gnomAD v4.1: 19 of 1,613,956 alleles (0.0012%); highest among the groups gnomAD compares: African/African-American, 0.015%; no homozygotes.

Submissions (2):

Labcorp Genetics (formerly Invitae), Labcorp
Classification: Likely benign. Last evaluated: 2025-09-24. Review status: criteria provided, single submitter. Criteria: Invitae Variant Classification Sherloc (09022015). Collection method: clinical testing. Allele origin: germline.

PreventionGenetics, part of Exact Sciences
Classification: Likely benign for PLAA-related condition. Last evaluated: 2020-06-02. Review status: no assertion criteria provided. Collection method: clinical testing. Allele origin: germline. Not counted in ClinVar's aggregate classification.
Comment: This variant is classified as likely benign based on ACMG/AMP sequence variant interpretation guidelines (Richards et al. 2015 PMID: 25741868, with internal and published modifications).